The following is an entry in ClinVar:

NM_014049.5(ACAD9):c.1258C>T (p.Arg420Cys)

Gene: ACAD9 (acyl-CoA dehydrogenase family member 9; plus strand). Cytogenetic location: 3q21.3.
Variant type: single nucleotide variant.
Coding change: c.1258C>T on transcript NM_014049.5 (MANE Select); coding-DNA position 1258, C replaced by T.
Protein change: p.Arg420Cys; replaces arginine 420 with cysteine.
Molecular consequence: missense variant. On other transcripts: non-coding transcript variant (1).
Genome position (GRCh38, 1-based): chr3:128,906,229, C>T. VCF-style: chr3-128906229-C-T. GRCh37 (hg19) VCF-style: chr3-128625072-C-T.
Other names: short protein forms R420C.
Identifiers: ClinVar variation 343198 (VCV000343198.22), dbSNP rs202147766, ClinGen allele CA2601445.
Genomic context (GRCh38, chr3:128,906,229, plus strand): 5'-ATCCTCGGGGGCTTGGGCTACACAAGGGACTATCCGTACGAGCGCATACTGCGTGACACC[C>T]GCATCCTCCTCATCTTCGAGGTGAGTGGCCCCGCCACCAGCTAAGCTGTGCTCCACCCCC-3'
Protein context (NP_054768.2, residues 410-430): YPYERILRDT[Arg420Cys]ILLIFEGTNE

ClinVar aggregate classification (germline): Uncertain significance. Review status: criteria provided, multiple submitters, no conflicts (2 of 4 stars). 4 submissions from 4 submitters: Uncertain significance (4). Last evaluated 2024-11-01.

Conditions:
Acyl-CoA dehydrogenase 9 deficiency. Also called: MITOCHONDRIAL COMPLEX I DEFICIENCY, NUCLEAR TYPE 20; Acyl-CoA dehydrogenase family, member 9, deficiency of. Identifiers: Orphanet 99901, MedGen C4747517, MONDO:0012624, OMIM 611126.

Allele frequency attached by ClinVar (database versions not stated): gnomAD 0.00004; ExAC 0.00006; gnomAD exomes 0.00006 and 0.00007; TOPMed 0.00006; ESP Exome Variant Server 0.00015; 1000 Genomes Project 30x 0.00016; 1000 Genomes Project 0.00020.
gnomAD v4.1: 105 of 1,614,172 alleles (0.0065%); highest among the groups gnomAD compares: Middle Eastern, 0.066%; no homozygotes.

Submissions (4):

CeGaT Center for Human Genetics Tuebingen
Classification: Uncertain significance. Last evaluated: 2024-11-01. Review status: criteria provided, single submitter. Criteria: CeGaT Center For Human Genetics Tuebingen Variant Classification Criteria Version 2. Collection method: clinical testing. Allele origin: germline. Affected: yes. Observed: 1 variant allele.
Comment: ACAD9: PM2

Labcorp Genetics (formerly Invitae), Labcorp
Classification: Uncertain significance. Last evaluated: 2024-10-05. Review status: criteria provided, single submitter. Criteria: Invitae Variant Classification Sherloc (09022015). Collection method: clinical testing. Allele origin: germline.
Comment: This sequence change replaces arginine, which is basic and polar, with cysteine, which is neutral and slightly polar, at codon 420 of the ACAD9 protein (p.Arg420Cys). This variant is present in population databases (rs202147766, gnomAD 0.01%). This variant has not been reported in the literature in individuals affected with ACAD9-related conditions. ClinVar contains an entry for this variant (Variation ID: 343198). Invitae Evidence Modeling of protein sequence and biophysical properties (such as structural, functional, and spatial information, amino acid conservation, physicochemical variation, residue mobility, and thermodynamic stability) indicates that this missense variant is expected to disrupt ACAD9 protein function with a positive predictive value of 80%. In summary, the available evidence is currently insufficient to determine the role of this variant in disease. Therefore, it has been classified as a Variant of Uncertain Significance.

Blueprint Genetics
Classification: Uncertain significance. Last evaluated: 2024-07-30. Review status: criteria provided, single submitter. Criteria: ACMG Guidelines, 2015. Collection method: clinical testing. Allele origin: germline.

Illumina Laboratory Services, Illumina
Classification: Uncertain significance for Acyl-CoA dehydrogenase 9 deficiency. Last evaluated: 2018-01-13. Review status: criteria provided, single submitter. Criteria: ICSL Variant Classification Criteria 13 December 2019. Collection method: clinical testing. Allele origin: germline.